The following is an entry in ClinVar:

NM_148919.4(PSMB8):c.97T>C (p.Tyr33His)

Gene: PSMB8 (proteasome 20S subunit beta 8; minus strand). Cytogenetic location: 6p21.32.
Variant type: single nucleotide variant.
Coding change: c.97T>C on transcript NM_148919.4 (MANE Select); coding-DNA position 97, T replaced by C.
Protein change: p.Tyr33His; replaces tyrosine 33 with histidine.
Molecular consequence: missense variant. On other transcripts: intron variant (1).
Genome position (GRCh38, 1-based): chr6:32,843,900, A>G on the plus strand (T>C on the coding strand, the complement: PSMB8 is on the minus strand). VCF-style: chr6-32843900-A-G. GRCh37 (hg19) VCF-style: chr6-32811677-A-G.
Other names: c.135+379T>C (NM_004159.5); short protein forms Y33H.
Identifiers: ClinVar variation 1967939 (VCV001967939.5), dbSNP rs576395955, ClinGen allele CA137010005.

ClinVar aggregate classification (germline): Uncertain significance (1 of 4 stars; one submission).

Conditions:
Proteosome-associated autoinflammatory syndrome. Also called: Proteasome-associated autoinflammatory syndrome. Identifiers: Orphanet 324977, MedGen C1850568, MONDO:0009726.

Allele frequency attached by ClinVar (database versions not stated): gnomAD exomes below 0.00001; gnomAD 0.00001; TOPMed 0.00003; 1000 Genomes Project 0.00020; 1000 Genomes Project 30x 0.00031.

Submission:

Labcorp Genetics (formerly Invitae), Labcorp
Classification: Uncertain significance for Proteosome-associated autoinflammatory syndrome. Last evaluated: 2022-06-18. Review status: criteria provided, single submitter. Criteria: Invitae Variant Classification Sherloc (09022015). Collection method: clinical testing. Allele origin: germline.
Comment: In summary, the available evidence is currently insufficient to determine the role of this variant in disease. Therefore, it has been classified as a Variant of Uncertain Significance. Algorithms developed to predict the effect of missense changes on protein structure and function (SIFT, PolyPhen-2, Align-GVGD) all suggest that this variant is likely to be tolerated. This variant has not been reported in the literature in individuals affected with PSMB8-related conditions. This variant is not present in population databases (gnomAD no frequency). This sequence change replaces tyrosine, which is neutral and polar, with histidine, which is basic and polar, at codon 33 of the PSMB8 protein (p.Tyr33His).